The following is an entry in ClinVar:

ClinVar aggregate classification (germline): Uncertain significance (1 of 4 stars; one submission).

Conditions:
Familial sleep-related hypermotor epilepsy. Also called: Autosomal Dominant Sleep-Related Hypermotor (Hyperkinetic) Epilepsy. Identifiers: Orphanet 98784, MedGen C3696898, MONDO:0000030.

Allele frequency attached by ClinVar (database versions not stated): gnomAD 0.00001; gnomAD exomes 0.00001; TOPMed 0.00002.

Submission:

Labcorp Genetics (formerly Invitae), Labcorp
Classification: Uncertain significance. Last evaluated: 2024-11-18. Review status: criteria provided, single submitter. Criteria: Invitae Variant Classification Sherloc (09022015). Collection method: clinical testing. Allele origin: germline.
Comment: This sequence change replaces arginine, which is basic and polar, with glutamine, which is neutral and polar, at codon 53 of the CHRNA4 protein (p.Arg53Gln). This variant is present in population databases (no rsID available, gnomAD 0.003%). This variant has not been reported in the literature in individuals affected with CHRNA4-related conditions. This missense change has been observed in at least one individual who was not affected with CHRNA4-related conditions (internal data). ClinVar contains an entry for this variant (Variation ID: 1395900). Invitae Evidence Modeling of protein sequence and biophysical properties (such as structural, functional, and spatial information, amino acid conservation, physicochemical variation, residue mobility, and thermodynamic stability) indicates that this missense variant is expected to disrupt CHRNA4 protein function with a positive predictive value of 80%. In summary, the available evidence is currently insufficient to determine the role of this variant in disease. Therefore, it has been classified as a Variant of Uncertain Significance.

NM_000744.7(CHRNA4):c.158G>A (p.Arg53Gln)

Gene: CHRNA4 (cholinergic receptor nicotinic alpha 4 subunit; minus strand). Cytogenetic location: 20q13.33.
Variant type: single nucleotide variant.
Coding change: c.158G>A on transcript NM_000744.7 (MANE Select); coding-DNA position 158, G replaced by A.
Protein change: p.Arg53Gln; replaces arginine 53 with glutamine.
Molecular consequence: missense variant. On other transcripts: 5 prime UTR variant (1), non-coding transcript variant (1).
Genome position (GRCh38, 1-based): chr20:63,359,618, C>T on the plus strand (G>A on the coding strand, the complement: CHRNA4 is on the minus strand). VCF-style: chr20-63359618-C-T. GRCh37 (hg19) VCF-style: chr20-61990970-C-T.
Other names: c.-389G>A (NM_001256573.2); short protein forms R53Q.
Identifiers: ClinVar variation 1395900 (VCV001395900.6), dbSNP rs1286318558, ClinGen allele CA409643548.